The following is an entry in ClinVar:

NM_001201543.2(FAM161A):c.422+4dup

Gene: FAM161A (FAM161 centrosomal protein A; minus strand). Cytogenetic location: 2p15.
Variant type: Duplication.
Coding change: c.422+4dup on transcript NM_001201543.2 (MANE Select); 4 bases into the intron after coding-DNA position 422, one base duplicated (A; older notation c.422+4dupA).
Molecular consequence: intron variant.
Genome position (GRCh38, 1-based): chr2:61,842,118, T duplicated on the plus strand (A on the coding strand, the reverse complement: FAM161A is on the minus strand); the first of 2 consecutive T bases (chr2:61,842,118-61,842,119); duplicating either gives the same sequence. VCF-style (leftmost placement, unchanged base first): chr2-61842117-C-CT. GRCh37 (hg19) VCF-style: chr2-62069252-C-CT.
Other names: c.422+4dup (NM_032180.3).
Identifiers: ClinVar variation 1481638 (VCV001481638.6), dbSNP rs1673038559, ClinGen allele CA1255591686.
Genomic context (GRCh38, chr2:61,842,117, plus strand): 5'-GTTCTGTCCTTTTAAGGATACATTTTATTTTATACTCCACAAATAACATTGAGTTACAAG[C>CT]TTACCTGGAAGAGTCACTAAGAGAGTCTTCTCTGATGACCACTGGCTGAACTTCCTTTAA-3'

ClinVar aggregate classification (germline): Uncertain significance (1 of 4 stars; one submission).

Submission:

Labcorp Genetics (formerly Invitae), Labcorp
Classification: Uncertain significance. Last evaluated: 2022-03-17. Review status: criteria provided, single submitter. Criteria: Invitae Variant Classification Sherloc (09022015). Collection method: clinical testing. Allele origin: germline.
Comment: In summary, the available evidence is currently insufficient to determine the role of this variant in disease. Therefore, it has been classified as a Variant of Uncertain Significance. Variants that disrupt the consensus splice site are a relatively common cause of aberrant splicing (PMID: 17576681, 9536098). Algorithms developed to predict the effect of sequence changes on RNA splicing suggest that this variant is not likely to affect RNA splicing. This variant has not been reported in the literature in individuals affected with FAM161A-related conditions. This variant is not present in population databases (gnomAD no frequency). This sequence change falls in intron 2 of the FAM161A gene. It does not directly change the encoded amino acid sequence of the FAM161A protein. It affects a nucleotide within the consensus splice site.

Literature cited by the submitters: PubMed 17576681; PubMed 9536098.